The following is an entry in ClinVar:

ClinVar aggregate classification (germline): Benign/Likely benign. Review status: criteria provided, multiple submitters, no conflicts (2 of 4 stars). 3 submissions from 3 submitters: Benign (1); Likely benign (1). 1 of the submissions does not count toward it. Last evaluated 2025-05-27.

Conditions:
Van der Woude syndrome 2 (VWS2). Identifiers: Orphanet 888, MedGen C1847604, MONDO:0011712, OMIM 606713.
GRHL3-related disorder. Also called: GRHL3-related condition.

Allele frequency attached by ClinVar (database versions not stated): TOPMed 0.00013; gnomAD 0.00017; gnomAD exomes 0.00034; ExAC 0.00081; 1000 Genomes Project 0.00100; 1000 Genomes Project 30x 0.00109.
gnomAD v4.1: 525 of 1,613,758 alleles (0.033%); highest among the groups gnomAD compares: South Asian, 0.39%; 6 homozygotes.

Submissions (3):

Labcorp Genetics (formerly Invitae), Labcorp
Classification: Benign for Van der Woude syndrome 2. Last evaluated: 2025-05-27. Review status: criteria provided, single submitter. Criteria: Invitae Variant Classification Sherloc (09022015). Collection method: clinical testing. Allele origin: germline.

Blueprint Genetics
Classification: Likely benign. Last evaluated: 2024-11-05. Review status: criteria provided, single submitter. Criteria: ACMG Guidelines, 2015. Collection method: clinical testing. Allele origin: germline.

PreventionGenetics, part of Exact Sciences
Classification: Likely benign for GRHL3-related condition. Last evaluated: 2020-01-06. Review status: no assertion criteria provided. Collection method: clinical testing. Allele origin: germline. Not counted in ClinVar's aggregate classification.
Comment: This variant is classified as likely benign based on ACMG/AMP sequence variant interpretation guidelines (Richards et al. 2015 PMID: 25741868, with internal and published modifications).

NM_198173.3(GRHL3):c.552T>C (p.His184=)

Gene: GRHL3 (grainyhead like transcription factor 3; plus strand). Cytogenetic location: 1p36.11.
Variant type: single nucleotide variant.
Coding change: c.552T>C on transcript NM_198173.3 (MANE Select); coding-DNA position 552, T replaced by C.
Protein change: p.His184=; no amino-acid change (histidine 184 retained).
Molecular consequence: synonymous variant.
Genome position (GRCh38, 1-based): chr1:24,336,767, T>C. VCF-style: chr1-24336767-T-C. GRCh37 (hg19) VCF-style: chr1-24663257-T-C.
Other names: c.567T>C, p.His189= (NM_021180.4); c.552T>C, p.His184= (NM_198174.3); c.414T>C, p.His138= (NM_001195010.2).
Identifiers: ClinVar variation 3052290 (VCV003052290.4), dbSNP rs191739265, ClinGen allele CA689919.